The following is an entry in ClinVar:

NM_001166108.2(PALLD):c.1388G>A (p.Arg463Gln)

Gene: PALLD (palladin, cytoskeletal associated protein; plus strand). Cytogenetic location: 4q32.3.
Variant type: single nucleotide variant.
Coding change: c.1388G>A on transcript NM_001166108.2 (MANE Select); coding-DNA position 1388, G replaced by A.
Protein change: p.Arg463Gln; replaces arginine 463 with glutamine.
Molecular consequence: missense variant.
Genome position (GRCh38, 1-based): chr4:168,690,655, G>A. VCF-style: chr4-168690655-G-A. GRCh37 (hg19) VCF-style: chr4-169611806-G-A.
Other names: c.242G>A, p.Arg81Gln (NM_001166109.2); c.1388G>A, p.Arg463Gln (NM_016081.4); short protein forms R463Q, R81Q.
Identifiers: ClinVar variation 1771457 (VCV001771457.3), dbSNP rs778109369, ClinGen allele CA3135602.
Genomic context (GRCh38, chr4:168,690,655, plus strand): 5'-AATTTCAGGAACTGCAAAACACAGCCGTGGCGGAAGGCCAGGTGGTGGTTCTGGAGTGCC[G>A]GGTCCGTGGGGCACCCCCTCTGCAGGTCCAGTGGTTTCGGCAAGGGAGTGAAATCCAAGA-3'
Protein context (NP_001159580.1, residues 453-473): AEGQVVVLEC[Arg463Gln]VRGAPPLQVQ

ClinVar aggregate classification (germline): Uncertain significance (1 of 4 stars; one submission).

Allele frequency attached by ClinVar (database versions not stated): ExAC 0.00001; TOPMed 0.00001.
gnomAD v4.1: 8 of 1,614,092 alleles (0.0005%); highest among the groups gnomAD compares: South Asian, 0.0022%; no homozygotes.

Submission:

Ambry Genetics
Classification: Uncertain significance. Last evaluated: 2024-05-27. Review status: criteria provided, single submitter. Criteria: Ambry Variant Classification Scheme 2023. Collection method: clinical testing. Allele origin: germline.
Comment: The p.R463Q variant (also known as c.1388G>A), located in coding exon 6 of the PALLD gene, results from a G to A substitution at nucleotide position 1388. The arginine at codon 463 is replaced by glutamine, an amino acid with highly similar properties. This amino acid position is conserved. In addition, the in silico prediction for this alteration is inconclusive. Since supporting evidence is limited at this time, the clinical significance of this alteration remains unclear.